The following is an entry in ClinVar:

ClinVar aggregate classification (germline): Uncertain significance. Review status: criteria provided, multiple submitters, no conflicts (2 of 4 stars). 3 submissions from 3 submitters: Uncertain significance (3). Last evaluated 2025-09-23.

Conditions:
Inborn genetic diseases. Identifiers: MedGen C0950123, MeSH D030342.

gnomAD v4.1: 15 of 1,614,154 alleles (0.00093%); highest among the groups gnomAD compares: Middle Eastern, 0.016%; no homozygotes.

Submissions (3):

Labcorp Genetics (formerly Invitae), Labcorp
Classification: Uncertain significance. Last evaluated: 2025-09-23. Review status: criteria provided, single submitter. Criteria: Invitae Variant Classification Sherloc (09022015). Collection method: clinical testing. Allele origin: germline.
Comment: This sequence change replaces proline, which is neutral and non-polar, with leucine, which is neutral and non-polar, at codon 1159 of the COL4A1 protein (p.Pro1159Leu). This variant is not present in population databases (gnomAD no frequency). This variant has not been reported in the literature in individuals affected with COL4A1-related conditions. ClinVar contains an entry for this variant (Variation ID: 3268720). Invitae Evidence Modeling of protein sequence and biophysical properties (such as structural, functional, and spatial information, amino acid conservation, physicochemical variation, residue mobility, and thermodynamic stability) has been performed for this missense variant. However, the output from this modeling did not meet the statistical confidence thresholds required to predict the impact of this variant on COL4A1 protein function. In summary, the available evidence is currently insufficient to determine the role of this variant in disease. Therefore, it has been classified as a Variant of Uncertain Significance.

Ambry Genetics
Classification: Uncertain significance for Inborn genetic diseases. Last evaluated: 2024-06-07. Review status: criteria provided, single submitter. Criteria: Ambry Variant Classification Scheme 2023. Collection method: clinical testing. Allele origin: germline.

Clinical Genetics Laboratory, Skane University Hospital Lund
Classification: Uncertain significance. Last evaluated: 2023-11-30. Review status: criteria provided, single submitter. Criteria: ACMG Guidelines, 2015. Collection method: clinical testing. Allele origin: germline. Affected: yes.

NM_001845.6(COL4A1):c.3476C>T (p.Pro1159Leu)

Gene: COL4A1 (collagen type IV alpha 1 chain; minus strand). Cytogenetic location: 13q34.
Variant type: single nucleotide variant.
Coding change: c.3476C>T on transcript NM_001845.6 (MANE Select); coding-DNA position 3476, C replaced by T.
Protein change: p.Pro1159Leu; replaces proline 1159 with leucine.
Molecular consequence: missense variant.
Genome position (GRCh38, 1-based): chr13:110,173,929, G>A on the plus strand (C>T on the coding strand, the complement: COL4A1 is on the minus strand). VCF-style: chr13-110173929-G-A. GRCh37 (hg19) VCF-style: chr13-110826276-G-A.
Other names: short protein forms P1159L.
Identifiers: ClinVar variation 3268720 (VCV003268720.3).